The following is an entry in ClinVar:

ClinVar aggregate classification (germline): Benign/Likely benign. Review status: criteria provided, multiple submitters, no conflicts (2 of 4 stars). 8 submissions from 8 submitters: Benign (3); Likely benign (4). 1 of the submissions does not count toward it. Last evaluated 2026-05-01.

Conditions:
Ehlers-Danlos syndrome (EDS). Identifiers: Orphanet 98249, MedGen C0013720, MONDO:0020066.
TNXB-related disorder. Also called: TNXB-related condition.
Cardiovascular phenotype. Identifiers: MedGen CN230736.

Allele frequency attached by ClinVar (database versions not stated): TOPMed 0.00187; 1000 Genomes Project 30x 0.00047; 1000 Genomes Project 0.00060; gnomAD exomes 0.00153 and 0.00182; ESP Exome Variant Server 0.00170; gnomAD 0.00173 and 0.00179; ExAC 0.00176.
gnomAD v4.1: 2,534 of 1,610,304 alleles (0.16%); highest among the groups gnomAD compares: Middle Eastern, 0.51%; 6 homozygotes.

Submissions (8):

CeGaT Center for Human Genetics Tuebingen
Classification: Likely benign. Last evaluated: 2026-05-01. Review status: criteria provided, single submitter. Criteria: CeGaT Center For Human Genetics Tuebingen Variant Classification Criteria Version 2. Collection method: clinical testing. Allele origin: germline. Affected: yes. Observed: 10 variant alleles.
Comment: TNXB: BS2

Women's Health and Genetics/Laboratory Corporation of America, LabCorp
Classification: Likely benign. Last evaluated: 2026-04-21. Review status: criteria provided, single submitter. Criteria: LabCorp Variant Classification Summary - May 2015. Collection method: clinical testing. Allele origin: germline.
Comment: Variant summary: TNXB c.4444G>A (p.Val1482Met) results in a conservative amino acid change in the encoded protein sequence. Algorithms developed to predict the effect of missense changes on protein structure and function all suggest that this variant is likely to be tolerated. The variant allele was found at a frequency of 0.0018 in 244086 control chromosomes, predominantly at a frequency of 0.0022 within the Non-Finnish European subpopulation in the gnomAD database, including 1 homozygotes. The observed variant frequency within Non-Finnish European control individuals in the gnomAD database exceeds the estimated maximal expected allele frequency for disease-causing variants in TNXB. To our knowledge, no occurrence of c.4444G>A in individuals affected with TNXB-related conditions and no experimental evidence demonstrating its impact on protein function have been reported. ClinVar contains an entry for this variant (Variation ID: 624235). Based on the evidence outlined above, the variant was classified as likely benign.

Labcorp Genetics (formerly Invitae), Labcorp
Classification: Benign. Last evaluated: 2026-01-28. Review status: criteria provided, single submitter. Criteria: Invitae Variant Classification Sherloc (09022015). Collection method: clinical testing. Allele origin: germline.

Mayo Clinic Laboratories, Mayo Clinic
Classification: Benign. Last evaluated: 2023-04-24. Review status: criteria provided, single submitter. Criteria: ACMG Guidelines, 2015. Collection method: clinical testing. Allele origin: germline. Observed: 17 variant alleles.
Comment: BS1, BS2

Genome Diagnostics Laboratory, The Hospital for Sick Children
Classification: Likely benign for Ehlers-Danlos syndrome. Last evaluated: 2022-07-06. Review status: criteria provided, single submitter. Criteria: ACMG Guidelines, 2015. Collection method: clinical testing. Allele origin: germline.

Ambry Genetics
Classification: Likely benign for Cardiovascular phenotype. Last evaluated: 2020-12-10. Review status: criteria provided, single submitter. Criteria: Ambry Variant Classification Scheme 2023. Collection method: clinical testing. Allele origin: germline.

GeneDx
Classification: Benign. Last evaluated: 2018-12-11. Review status: criteria provided, single submitter. Criteria: GeneDx Variant Classification Process June 2021. Collection method: clinical testing. Allele origin: germline. Affected: yes.

PreventionGenetics, part of Exact Sciences
Classification: Benign for TNXB-related condition. Last evaluated: 2021-05-25. Review status: no assertion criteria provided. Collection method: clinical testing. Allele origin: germline. Not counted in ClinVar's aggregate classification.
Comment: This variant is classified as benign based on ACMG/AMP sequence variant interpretation guidelines (Richards et al. 2015 PMID: 25741868, with internal and published modifications).

NM_001365276.2(TNXB):c.4444G>A (p.Val1482Met)

Gene: TNXB (tenascin XB; minus strand). Cytogenetic location: 6p21.33.
Variant type: single nucleotide variant.
Coding change: c.4444G>A on transcript NM_001365276.2 (MANE Select); coding-DNA position 4444, G replaced by A.
Protein change: p.Val1482Met; replaces valine 1482 with methionine.
Molecular consequence: missense variant.
Genome position (GRCh38, 1-based): chr6:32,073,884, C>T on the plus strand (G>A on the coding strand, the complement: TNXB is on the minus strand). VCF-style: chr6-32073884-C-T. GRCh37 (hg19) VCF-style: chr6-32041661-C-T.
Other names: p.Val1482Met; c.4444G>A, p.Val1482Met (NM_019105.8); short protein forms V1482M.
Identifiers: ClinVar variation 624235 (VCV000624235.55), dbSNP rs61740336, ClinGen allele CA3734943.